The following is an entry in ClinVar:

NM_170606.3(KMT2C):c.6373C>T (p.Pro2125Ser)

Gene: KMT2C (lysine methyltransferase 2C; minus strand). Cytogenetic location: 7q36.1.
Variant type: single nucleotide variant.
Coding change: c.6373C>T on transcript NM_170606.3 (MANE Select); coding-DNA position 6373, C replaced by T.
Protein change: p.Pro2125Ser; replaces proline 2125 with serine.
Molecular consequence: missense variant.
Genome position (GRCh38, 1-based): chr7:152,181,487, G>A on the plus strand (C>T on the coding strand, the complement: KMT2C is on the minus strand). VCF-style: chr7-152181487-G-A. GRCh37 (hg19) VCF-style: chr7-151878572-G-A.
Other names: short protein forms P2125S.
Identifiers: ClinVar variation 4770177 (VCV004770177.1).

ClinVar aggregate classification (germline): Uncertain significance (1 of 4 stars; one submission).

Submission:

Labcorp Genetics (formerly Invitae), Labcorp
Classification: Uncertain significance. Last evaluated: 2025-04-13. Review status: criteria provided, single submitter. Criteria: Invitae Variant Classification Sherloc (09022015). Collection method: clinical testing. Allele origin: germline.
Comment: This sequence change replaces proline, which is neutral and non-polar, with serine, which is neutral and polar, at codon 2125 of the KMT2C protein (p.Pro2125Ser). This variant is not present in population databases (gnomAD no frequency). This variant has not been reported in the literature in individuals affected with KMT2C-related conditions. Invitae Evidence Modeling of protein sequence and biophysical properties (such as structural, functional, and spatial information, amino acid conservation, physicochemical variation, residue mobility, and thermodynamic stability) indicates that this missense variant is not expected to disrupt KMT2C protein function with a negative predictive value of 80%. In summary, the available evidence is currently insufficient to determine the role of this variant in disease. Therefore, it has been classified as a Variant of Uncertain Significance.